The following is an entry in ClinVar:

NM_003072.5(SMARCA4):c.678C>A (p.Ser226=)

Gene: SMARCA4 (SWI/SNF related BAF chromatin remodeling complex subunit ATPase 4; plus strand). Cytogenetic location: 19p13.2.
Variant type: single nucleotide variant.
Coding change: c.678C>A on transcript NM_003072.5 (MANE Select); coding-DNA position 678, C replaced by A.
Protein change: p.Ser226=; no amino-acid change (serine 226 retained).
Molecular consequence: synonymous variant. On other transcripts: non-coding transcript variant (1).
Genome position (GRCh38, 1-based): chr19:10,986,511, C>A. VCF-style: chr19-10986511-C-A. GRCh37 (hg19) VCF-style: chr19-11097187-C-A.
Other names: c.678C>A, p.Ser226= (NM_001128844.3, NM_001128845.2, NM_001128846.2 and 5 more transcripts).
Identifiers: ClinVar variation 666150 (VCV000666150.8), dbSNP rs878854237, ClinGen allele CA505744064.

ClinVar aggregate classification (germline): Uncertain significance (1 of 4 stars; one submission).

Conditions:
Rhabdoid tumor predisposition syndrome 2 (RTPS2). Identifiers: Orphanet 231108, Orphanet 69077, MedGen C2750074, MONDO:0013224, OMIM 613325.

Submission:

Labcorp Genetics (formerly Invitae), Labcorp
Classification: Uncertain significance for Rhabdoid tumor predisposition syndrome 2. Last evaluated: 2018-07-26. Review status: criteria provided, single submitter. Criteria: Invitae Variant Classification Sherloc (09022015). Collection method: clinical testing. Allele origin: germline.
Comment: This sequence change affects codon 226 of the SMARCA4 mRNA. It is a 'silent' change, meaning that it does not change the encoded amino acid sequence of the SMARCA4 protein. In summary, the available evidence is currently insufficient to determine the role of this variant in disease. Therefore, it has been classified as a Variant of Uncertain Significance. Algorithms developed to predict the effect of sequence changes on RNA splicing suggest that this variant may create or strengthen a splice site, but this prediction has not been confirmed by published transcriptional studies. This variant has not been reported in the literature in individuals with SMARCA4-related disease. While this variant is not present in population databases, the frequency information is unreliable, as metrics indicate poor data quality at this position in the ExAC database.